The following is an entry in ClinVar:

ClinVar aggregate classification (germline): Uncertain significance (1 of 4 stars; one submission).

gnomAD v4.1: 4 of 1,604,780 alleles (0.00025%); highest among the groups gnomAD compares: Non-Finnish European, 0.00034%; no homozygotes.

Submission:

GeneDx
Classification: Uncertain significance. Last evaluated: 2017-10-18. Review status: criteria provided, single submitter. Criteria: GeneDx Variant Classification (06012015). Collection method: clinical testing. Allele origin: germline. Affected: yes.
Comment: The V214G variant has not been published as a pathogenic variant, nor has it been reported as a benign variant to our knowledge. The V214G variant is not observed in large population cohorts (Lek et al., 2016). This substitution occurs at a position that is conserved in mammals. In silico analysis predicts this variant is probably damaging to the protein structure/function. However, the V214G variant is a conservative amino acid substitution, which is not likely to impact secondary protein structure as these residues share similar properties. Therefore, based on the currently available information, it is unclear whether this variant is a pathogenic variant or a rare benign variant.

NM_004933.3(CDH15):c.641T>G (p.Val214Gly)

Gene: CDH15 (cadherin 15; plus strand). Cytogenetic location: 16q24.3.
Variant type: single nucleotide variant.
Coding change: c.641T>G on transcript NM_004933.3 (MANE Select); coding-DNA position 641, T replaced by G.
Protein change: p.Val214Gly; replaces valine 214 with glycine.
Molecular consequence: missense variant.
Genome position (GRCh38, 1-based): chr16:89,185,311, T>G. VCF-style: chr16-89185311-T-G. GRCh37 (hg19) VCF-style: chr16-89251719-T-G.
Other names: short protein forms V214G.
Identifiers: ClinVar variation 452738 (VCV000452738.2), dbSNP rs766348243, ClinGen allele CA397138354.